The following is an entry in ClinVar:

ClinVar aggregate classification (germline): Benign. Review status: criteria provided, multiple submitters, no conflicts (2 of 4 stars). 9 submissions from 9 submitters: Benign (8). 1 of the submissions does not count toward it. Last evaluated 2026-01-26.

Conditions:
Tuberous sclerosis 1 (TSC1). Identifiers: Orphanet 805, MedGen C1854465, MONDO:0008612, OMIM 191100.
Tuberous sclerosis syndrome (TSC). Also called: Tuberous Sclerosis Complex; Tuberous sclerosis. Identifiers: Orphanet 805, MedGen C0041341, MONDO:0001734.

Allele frequency attached by ClinVar (database versions not stated): ExAC 0.14808; 1000 Genomes Project 0.17492; 1000 Genomes Project 30x 0.17926; gnomAD 0.19451 and 0.20073; TOPMed 0.19983; ESP Exome Variant Server 0.21505.

Submissions (9):

Labcorp Genetics (formerly Invitae), Labcorp
Classification: Benign for Tuberous sclerosis 1. Last evaluated: 2026-01-26. Review status: criteria provided, single submitter. Criteria: Invitae Variant Classification Sherloc (09022015). Collection method: clinical testing. Allele origin: germline.

KCCC/NGS Laboratory, Kuwait Cancer Control Center
Classification: Benign for Tuberous sclerosis 1. Last evaluated: 2023-07-07. Review status: criteria provided, single submitter. Criteria: ACMG Guidelines, 2015. Collection method: clinical testing. Allele origin: germline. Affected: yes.

ARUP Laboratories, Molecular Genetics and Genomics, ARUP Laboratories
Classification: Benign. Last evaluated: 2018-07-13. Review status: criteria provided, single submitter. Criteria: ARUP Molecular Germline Variant Investigation Process. Collection method: clinical testing. Allele origin: germline.

GeneDx
Classification: Benign. Last evaluated: 2018-06-21. Review status: criteria provided, single submitter. Criteria: GeneDx Variant Classification Process June 2021. Collection method: clinical testing. Allele origin: germline. Affected: yes.
Comment: This variant is associated with the following publications: (PMID: 27884173, 10533066, 17304050)

Eurofins Ntd Llc (ga)
Classification: Benign. Last evaluated: 2016-12-22. Review status: criteria provided, single submitter. Criteria: EGL Classification Definitions 2015. Collection method: clinical testing. Allele origin: germline. Observed: 4 variant alleles, 4 heterozygotes.

Laboratory for Molecular Medicine, Mass General Brigham Personalized Medicine
Classification: Benign. Last evaluated: 2016-04-25. Review status: criteria provided, single submitter. Criteria: LMM Criteria. Collection method: clinical testing. Allele origin: germline.
Comment: Variant identified in a genome or exome case(s) and assessed due to predicted null impact of the variant or pathogenic assertions in the literature or databases. Disclaimer: This variant has not undergone full assessment. The following are preliminary notes: Frequency, variant associated with tuberous sclerosis

Breakthrough Genomics
Classification: Benign. Review status: criteria provided, single submitter. Criteria: ACMG Guidelines, 2015. Collection method: not provided. Allele origin: germline. Inheritance: Autosomal dominant inheritance. Affected: yes.

PreventionGenetics, part of Exact Sciences
Classification: Benign. Review status: criteria provided, single submitter. Criteria: ACMG Guidelines, 2015. Collection method: clinical testing. Allele origin: germline.

Tuberous sclerosis database (TSC1)
No classification provided. Condition: TSC. Review status: no classification provided. Criteria: Tuberous Sclerosis Database Assertion Criteria 2015. Collection method: curation. Allele origin: germline. Affected: yes. Not counted in ClinVar's aggregate classification.

NM_000368.5(TSC1):c.2392-35T>C

Gene: TSC1 (TSC complex subunit 1; minus strand). Cytogenetic location: 9q34.13.
Variant type: single nucleotide variant.
Coding change: c.2392-35T>C on transcript NM_000368.5 (MANE Select); 35 bases into the intron before coding-DNA position 2392, T replaced by C.
Molecular consequence: intron variant.
Genome position (GRCh38, 1-based): chr9:132,901,734, A>G on the plus strand (T>C on the coding strand, the complement: TSC1 is on the minus strand). VCF-style: chr9-132901734-A-G. GRCh37 (hg19) VCF-style: chr9-135777121-A-G.
Other names: c.2029-35T>C (NM_001362177.2); c.2239-35T>C (NM_001162427.2); c.2389-35T>C (NM_001162426.2).
Identifiers: ClinVar variation 48948 (VCV000048948.28), dbSNP rs11243931, ClinGen allele CA006386.